The following is an entry in ClinVar:

ClinVar aggregate classification (germline): Uncertain significance (1 of 4 stars; one submission).

Submission:

Labcorp Genetics (formerly Invitae), Labcorp
Classification: Uncertain significance. Last evaluated: 2021-07-29. Review status: criteria provided, single submitter. Criteria: Invitae Variant Classification Sherloc (09022015). Collection method: clinical testing. Allele origin: germline.
Comment: In summary, the available evidence is currently insufficient to determine the role of this variant in disease. Therefore, it has been classified as a Variant of Uncertain Significance. Algorithms developed to predict the effect of missense changes on protein structure and function are either unavailable or do not agree on the potential impact of this missense change (SIFT: "Not Available"; PolyPhen-2: "Probably Damaging"; Align-GVGD: "Not Available"). This variant has not been reported in the literature in individuals with MYO18B-related conditions. This variant is not present in population databases (ExAC no frequency). This sequence change replaces serine with asparagine at codon 1999 of the MYO18B protein (p.Ser1999Asn). The serine residue is highly conserved and there is a small physicochemical difference between serine and asparagine.

NM_032608.7(MYO18B):c.5996G>A (p.Ser1999Asn)

Gene: MYO18B (myosin XVIIIB; plus strand). Cytogenetic location: 22q12.1.
Variant type: single nucleotide variant.
Coding change: c.5996G>A on transcript NM_032608.7 (MANE Select); coding-DNA position 5996, G replaced by A.
Protein change: p.Ser1999Asn; replaces serine 1999 with asparagine.
Molecular consequence: missense variant.
Genome position (GRCh38, 1-based): chr22:25,955,204, G>A. VCF-style: chr22-25955204-G-A. GRCh37 (hg19) VCF-style: chr22-26351170-G-A.
Other names: c.5999G>A, p.Ser2000Asn (NM_001318245.2); short protein forms S1999N, S2000N.
Identifiers: ClinVar variation 1462664 (VCV001462664.6), dbSNP rs2146646909, ClinGen allele CA411008927.